The following is an entry in ClinVar:

ClinVar aggregate classification (germline): Uncertain significance. Review status: criteria provided, multiple submitters, no conflicts (2 of 4 stars). 2 submissions from 2 submitters: Uncertain significance (2). Last evaluated 2026-03-11.

Conditions:
F2-related disorder. Also called: F2-related condition; F2-related disorders.
Congenital prothrombin deficiency. Also called: HYPOPROTHROMBINEMIA; Inherited hypoprothrombinemia; Congenital factor II deficiency; Inherited prothrombin deficiency; Factor II deficiency; Hereditary factor II deficiency disease. Identifiers: Orphanet 325, MedGen C0272317, MONDO:0013361, OMIM 613679.

gnomAD v4.1: 6 of 1,614,078 alleles (0.00037%); highest among the groups gnomAD compares: African/African-American, 0.0013%; no homozygotes.

Submissions (2):

PreventionGenetics, part of Exact Sciences
Classification: Uncertain significance for F2-related condition. Last evaluated: 2026-03-11. Review status: criteria provided, single submitter. Criteria: ACMG Guidelines, 2015. Collection method: clinical testing. Allele origin: germline.
Comment: The F2 c.1366C>T variant is predicted to result in the amino acid substitution p.Arg456Trp. This variant was reported in an individual with coagulation factors deficiency (Chang et al. 2022. PubMed ID: 36580209). This variant is reported in 0.0062% of alleles in individuals of African descent in gnomAD. At this time, the clinical significance of this variant is uncertain due to the absence of conclusive functional and genetic evidence.

Labcorp Genetics (formerly Invitae), Labcorp
Classification: Uncertain significance for Congenital prothrombin deficiency. Last evaluated: 2025-07-30. Review status: criteria provided, single submitter. Criteria: Invitae Variant Classification Sherloc (09022015). Collection method: clinical testing. Allele origin: germline.
Comment: This sequence change replaces arginine, which is basic and polar, with tryptophan, which is neutral and slightly polar, at codon 456 of the F2 protein (p.Arg456Trp). This variant is not present in population databases (gnomAD no frequency). This missense change has been observed in individual(s) with stroke (PMID: 36580209). Invitae Evidence Modeling of protein sequence and biophysical properties (such as structural, functional, and spatial information, amino acid conservation, physicochemical variation, residue mobility, and thermodynamic stability) indicates that this missense variant is not expected to disrupt F2 protein function with a negative predictive value of 80%. In summary, the available evidence is currently insufficient to determine the role of this variant in disease. Therefore, it has been classified as a Variant of Uncertain Significance.

Literature cited by the submitters: PubMed 36580209 (cited by Labcorp Genetics (formerly Invitae), Labcorp).

NM_000506.5(F2):c.1366C>T (p.Arg456Trp)

Gene: F2 (coagulation factor II, thrombin; plus strand). Cytogenetic location: 11p11.2.
Variant type: single nucleotide variant.
Coding change: c.1366C>T on transcript NM_000506.5 (MANE Select); coding-DNA position 1366, C replaced by T.
Protein change: p.Arg456Trp; replaces arginine 456 with tryptophan.
Molecular consequence: missense variant.
Genome position (GRCh38, 1-based): chr11:46,728,731, C>T. VCF-style: chr11-46728731-C-T. GRCh37 (hg19) VCF-style: chr11-46750281-C-T.
Other names: short protein forms R456W.
Identifiers: ClinVar variation 4750650 (VCV004750650.2).
Genomic context (GRCh38, chr11:46,728,731, plus strand): 5'-CGAAACATTGAAAAGATATCCATGTTGGAAAAGATCTACATCCACCCCAGGTACAACTGG[C>T]GGGAGAACCTGGACCGGGACATTGCCCTGATGAAGCTGAAGAAGCCTGTTGCCTTCAGTG-3'
Protein context (NP_000497.1, residues 446-466): KIYIHPRYNW[Arg456Trp]ENLDRDIALM